The following is an entry in ClinVar:

ClinVar aggregate classification (germline): Uncertain significance (1 of 4 stars; one submission).

Submission:

Labcorp Genetics (formerly Invitae), Labcorp
Classification: Uncertain significance. Last evaluated: 2024-03-16. Review status: criteria provided, single submitter. Criteria: Invitae Variant Classification Sherloc (09022015). Collection method: clinical testing. Allele origin: germline.
Comment: This sequence change replaces proline, which is neutral and non-polar, with serine, which is neutral and polar, at codon 209 of the XRCC2 protein (p.Pro209Ser). This variant is present in population databases (rs780202744, gnomAD 0.0009%). This variant has not been reported in the literature in individuals affected with XRCC2-related conditions. Algorithms developed to predict the effect of missense changes on protein structure and function output the following: SIFT: "Not Available"; PolyPhen-2: "Benign"; Align-GVGD: "Not Available". The serine amino acid residue is found in multiple mammalian species, which suggests that this missense change does not adversely affect protein function. In summary, the available evidence is currently insufficient to determine the role of this variant in disease. Therefore, it has been classified as a Variant of Uncertain Significance.

NM_005431.2(XRCC2):c.625C>T (p.Pro209Ser)

Gene: XRCC2 (X-ray repair cross complementing 2; minus strand). Cytogenetic location: 7q36.1.
Variant type: single nucleotide variant.
Coding change: c.625C>T on transcript NM_005431.2 (MANE Select); coding-DNA position 625, C replaced by T.
Protein change: p.Pro209Ser; replaces proline 209 with serine.
Molecular consequence: missense variant.
Genome position (GRCh38, 1-based): chr7:152,648,860, G>A on the plus strand (C>T on the coding strand, the complement: XRCC2 is on the minus strand). VCF-style: chr7-152648860-G-A. GRCh37 (hg19) VCF-style: chr7-152345945-G-A.
Other names: short protein forms P209S.
Identifiers: ClinVar variation 3703263 (VCV003703263.2).